The following is an entry in ClinVar:

NM_001174089.2(SLC4A11):c.6C>T (p.Ala2=)

Genes: SLC4A11 (solute carrier family 4 member 11; minus strand), LOC130065323 (ATAC-STARR-seq lymphoblastoid silent region 12616; plus strand). Cytogenetic location: 20p13.
Variant type: single nucleotide variant.
Coding change: c.6C>T on transcript NM_001174089.2 (MANE Select); coding-DNA position 6, C replaced by T.
Protein change: p.Ala2=; no amino-acid change (alanine 2 retained).
Molecular consequence: synonymous variant. On other transcripts: 5 prime UTR variant (1), non-coding transcript variant (1), intron variant (1).
Genome position (GRCh38, 1-based): chr20:3,239,132, G>A on the plus strand (C>T on the coding strand, the complement: SLC4A11 is on the minus strand). VCF-style: chr20-3239132-G-A. GRCh37 (hg19) VCF-style: chr20-3219778-G-A.
Other names: c.6C>T, p.Ala2= (NM_001363745.2); c.-167C>T (NM_001400278.1); c.-15+216C>T (NM_001400277.1).
Identifiers: ClinVar variation 4983665 (VCV004983665.1).

ClinVar aggregate classification (germline): Likely benign (1 of 4 stars; one submission).

Conditions:
SLC4A11-related disorder. Also called: SLC4A11-related condition.

gnomAD v4.1: 101 of 1,475,938 alleles (0.0068%); highest among the groups gnomAD compares: African/African-American, 0.11%; no homozygotes.

Submission:

PreventionGenetics, part of Exact Sciences
Classification: Likely benign for SLC4A11-related condition. Last evaluated: 2026-05-28. Review status: criteria provided, single submitter. Criteria: ACMG Guidelines, 2015. Collection method: clinical testing. Allele origin: germline.
Comment: This variant is classified as likely benign based on ACMG/AMP sequence variant interpretation guidelines (Richards et al. 2015 PMID: 25741868, with internal and published modifications).